The following is an entry in ClinVar:

ClinVar aggregate classification (germline): Likely pathogenic (1 of 4 stars; one submission).

Conditions:
MIRAGE syndrome. Also called: MYELODYSPLASIA, INFECTION, RESTRICTION OF GROWTH, ADRENAL HYPOPLASIA, GENITAL PHENOTYPES, AND ENTEROPATHY. Identifiers: Orphanet 494433, MedGen C4284088, MONDO:0014888, OMIM 617053.

Submission:

Clinical Immunology, Karolinska University Hospital
Classification: Likely pathogenic for MIRAGE syndrome. Last evaluated: 2024-09-27. Review status: criteria provided, single submitter. Criteria: ACMG Guidelines, 2015. Collection method: clinical testing. Allele origin: germline. Inheritance: Autosomal dominant inheritance. Affected: yes.
Comment: Functional test using the variant in cell line has shown gain of function, by reduced cell proliferation.

NM_017654.4(SAMD9):c.2809C>A (p.Gln937Lys)

Gene: SAMD9 (sterile alpha motif domain containing 9; minus strand). Cytogenetic location: 7q21.2.
Variant type: single nucleotide variant.
Coding change: c.2809C>A on transcript NM_017654.4 (MANE Select); coding-DNA position 2809, C replaced by A.
Protein change: p.Gln937Lys; replaces glutamine 937 with lysine.
Molecular consequence: missense variant.
Genome position (GRCh38, 1-based): chr7:93,103,289, G>T on the plus strand (C>A on the coding strand, the complement: SAMD9 is on the minus strand). VCF-style: chr7-93103289-G-T. GRCh37 (hg19) VCF-style: chr7-92732602-G-T.
Other names: c.2809C>A, p.Gln937Lys (NM_001193307.2); short protein forms Q937K.
Identifiers: ClinVar variation 3901292 (VCV003901292.1).
Genomic context (GRCh38, chr7:93,103,289, plus strand): 5'-CAAATTTTTCTGTCCCCCAGAAAGCCTTCTTGTTTCCAATTCCTAAGAATTTTTCACACT[G>T]TGATAGTGAAATGGTGGTATCAGGCACATATGAATTAAGAAGAGCCAGAAAAGAAAAGAG-3'
Protein context (NP_060124.2, residues 927-947): YVPDTTISLS[Gln937Lys]CEKFLGIGNK